The following is an entry in ClinVar:

ClinVar aggregate classification (germline): Uncertain significance (1 of 4 stars; one submission).

Submission:

GeneDx
Classification: Uncertain significance. Last evaluated: 2025-03-26. Review status: criteria provided, single submitter. Criteria: GeneDx Variant Classification Process June 2021. Collection method: clinical testing. Allele origin: germline. Affected: yes.
Comment: Not observed at significant frequency in large population cohorts (gnomAD); In silico analysis supports that this missense variant has a deleterious effect on protein structure/function; Has not been previously published as pathogenic or benign to our knowledge

NM_004268.5(MED17):c.1646T>C (p.Leu549Pro)

Gene: MED17 (mediator complex subunit 17; plus strand). Cytogenetic location: 11q21.
Variant type: single nucleotide variant.
Coding change: c.1646T>C on transcript NM_004268.5 (MANE Select); coding-DNA position 1646, T replaced by C.
Protein change: p.Leu549Pro; replaces leucine 549 with proline.
Molecular consequence: missense variant.
Genome position (GRCh38, 1-based): chr11:93,809,778, T>C. VCF-style: chr11-93809778-T-C. GRCh37 (hg19) VCF-style: chr11-93542944-T-C.
Other names: short protein forms L549P.
Identifiers: ClinVar variation 4088103 (VCV004088103.1).